The following is an entry in ClinVar:

NM_182914.3(SYNE2):c.1433T>A (p.Phe478Tyr)

Gene: SYNE2 (spectrin repeat containing nuclear envelope protein 2; plus strand). Cytogenetic location: 14q23.2.
Variant type: single nucleotide variant.
Coding change: c.1433T>A on transcript NM_182914.3 (MANE Select); coding-DNA position 1433, T replaced by A.
Protein change: p.Phe478Tyr; replaces phenylalanine 478 with tyrosine.
Molecular consequence: missense variant.
Genome position (GRCh38, 1-based): chr14:63,978,878, T>A. VCF-style: chr14-63978878-T-A. GRCh37 (hg19) VCF-style: chr14-64445596-T-A.
Other names: c.1433T>A, p.Phe478Tyr (NM_015180.6); short protein forms F478Y.
Identifiers: ClinVar variation 1415358 (VCV001415358.6), dbSNP rs750998654, ClinGen allele CA7219438.

ClinVar aggregate classification (germline): Uncertain significance (1 of 4 stars; one submission).

Conditions:
Emery-Dreifuss muscular dystrophy 5, autosomal dominant (EDMD5). Also called: EMERY-DREIFUSS MUSCULAR DYSTROPHY 5. Identifiers: Orphanet 261, MedGen C2751805, MONDO:0013072, OMIM 612999.

Allele frequency attached by ClinVar (database versions not stated): gnomAD 0.00001; ExAC 0.00003.
gnomAD v4.1: 2 of 1,613,162 alleles (0.00012%); highest among the groups gnomAD compares: East Asian, 0.0022%; no homozygotes.

Submission:

Labcorp Genetics (formerly Invitae), Labcorp
Classification: Uncertain significance for Emery-Dreifuss muscular dystrophy 5, autosomal dominant. Last evaluated: 2021-10-24. Review status: criteria provided, single submitter. Criteria: Invitae Variant Classification Sherloc (09022015). Collection method: clinical testing. Allele origin: germline.
Comment: In summary, the available evidence is currently insufficient to determine the role of this variant in disease. Therefore, it has been classified as a Variant of Uncertain Significance. Algorithms developed to predict the effect of missense changes on protein structure and function (SIFT, PolyPhen-2, Align-GVGD) all suggest that this variant is likely to be tolerated. This variant has not been reported in the literature in individuals affected with SYNE2-related conditions. This variant is present in population databases (rs750998654, ExAC 0.04%). This sequence change replaces phenylalanine with tyrosine at codon 478 of the SYNE2 protein (p.Phe478Tyr). The phenylalanine residue is weakly conserved and there is a small physicochemical difference between phenylalanine and tyrosine.